The following is an entry in ClinVar:

NM_001005373.4(LRSAM1):c.247A>G (p.Ile83Val)

Gene: LRSAM1 (leucine rich repeat and sterile alpha motif containing 1; plus strand). Cytogenetic location: 9q33.3.
Variant type: single nucleotide variant.
Coding change: c.247A>G on transcript NM_001005373.4 (MANE Select); coding-DNA position 247, A replaced by G.
Protein change: p.Ile83Val; replaces isoleucine 83 with valine.
Molecular consequence: missense variant. On other transcripts: 5 prime UTR variant (1), non-coding transcript variant (2).
Genome position (GRCh38, 1-based): chr9:127,457,388, A>G. VCF-style: chr9-127457388-A-G. GRCh37 (hg19) VCF-style: chr9-130219667-A-G.
Other names: c.247A>G, p.Ile83Val (NM_001005374.4, NM_001190723.3, NM_001384142.1 and 2 more transcripts); c.-538A>G (NM_001384144.1); short protein forms I83V.
Identifiers: ClinVar variation 2728233 (VCV002728233.3), dbSNP rs1389329857, ClinGen allele CA374964664.

ClinVar aggregate classification (germline): Uncertain significance (1 of 4 stars; one submission).

Conditions:
Charcot-Marie-Tooth disease axonal type 2P. Also called: CHARCOT-MARIE-TOOTH DISEASE, AXONAL, TYPE 2G; CMT 2G; Charcot-Marie-Tooth Neuropathy Type 2G; CHARCOT-MARIE-TOOTH NEUROPATHY, TYPE 2P. Identifiers: Orphanet 300319, Orphanet 99941, MedGen C3280797, MONDO:0013753, OMIM 614436.

Allele frequency attached by ClinVar (database versions not stated): gnomAD exomes below 0.00001; gnomAD 0.00001.
gnomAD v4.1: 4 of 1,614,010 alleles (0.00025%); highest among the groups gnomAD compares: East Asian, 0.0045%; no homozygotes.

Submission:

Labcorp Genetics (formerly Invitae), Labcorp
Classification: Uncertain significance for Charcot-Marie-Tooth disease axonal type 2P. Last evaluated: 2023-09-23. Review status: criteria provided, single submitter. Criteria: Invitae Variant Classification Sherloc (09022015). Collection method: clinical testing. Allele origin: germline.
Comment: In summary, the available evidence is currently insufficient to determine the role of this variant in disease. Therefore, it has been classified as a Variant of Uncertain Significance. Advanced modeling of protein sequence and biophysical properties (such as structural, functional, and spatial information, amino acid conservation, physicochemical variation, residue mobility, and thermodynamic stability) performed at Invitae indicates that this missense variant is not expected to disrupt LRSAM1 protein function. This variant has not been reported in the literature in individuals affected with LRSAM1-related conditions. This variant is present in population databases (no rsID available, gnomAD 0.01%). This sequence change replaces isoleucine, which is neutral and non-polar, with valine, which is neutral and non-polar, at codon 83 of the LRSAM1 protein (p.Ile83Val).